The following is an entry in ClinVar:

NM_000551.4(VHL):c.340+638C>G

Genes: VHL (von Hippel-Lindau tumor suppressor; plus strand), LOC107303340 (3p25 von Hippel-Lindau tumor suppressor, E3 ubiquitin protein ligase Alu-mediated recombination region; plus strand). Cytogenetic location: 3p25.3.
Variant type: single nucleotide variant.
Coding change: c.340+638C>G on transcript NM_000551.4 (MANE Select); 638 bases into the intron after coding-DNA position 340, C replaced by G.
Molecular consequence: intron variant. On other transcripts: missense variant (1).
Genome position (GRCh38, 1-based): chr3:10,142,825, C>G. VCF-style: chr3-10142825-C-G. GRCh37 (hg19) VCF-style: chr3-10184509-C-G.
Other names: c.403C>G, p.Leu135Val (NM_001354723.2); c.340+638C>G (NM_198156.3); short protein forms L135V.
Identifiers: ClinVar variation 1010161 (VCV001010161.9), dbSNP rs973712723, ClinGen allele CA1044995498.
Genomic context (GRCh38, chr3:10,142,825, plus strand): 5'-CTCATGACTCCAGTGGGCCAGTTCTGCGTAGTCCCTGCCCTCGTGGAGAACACATTCCTC[C>G]TGGGGAGACTGACAGATGCAAAGACAGGAACAAGCCAGGGTCATGTTGGCGCCGGAAGAG-3'

ClinVar aggregate classification (germline): Conflicting classifications of pathogenicity. Review status: criteria provided, conflicting classifications (1 of 4 stars). 2 submissions from 2 submitters: Uncertain significance (1); Likely benign (1). Last evaluated 2025-08-18.

Conditions:
Chuvash polycythemia. Also called: POLYCYTHEMIA, VHL-DEPENDENT. Identifiers: Orphanet 238557, MedGen C1837915, MONDO:0009892, OMIM 263400.
Von Hippel-Lindau syndrome (VHLS). Also called: VHL syndrome; von Hippel–Lindau syndrome; Von Hippel-Lindau. Identifiers: Orphanet 892, MedGen C0019562, MONDO:0008667, OMIM 193300. Disease mechanism: loss of function.

Allele frequency attached by ClinVar (database versions not stated): gnomAD 0.00001; TOPMed 0.00001.

Submissions (2):

Labcorp Genetics (formerly Invitae), Labcorp
Classification: Likely benign for Von Hippel-Lindau syndrome; Chuvash polycythemia. Last evaluated: 2025-08-18. Review status: criteria provided, single submitter. Criteria: Invitae Variant Classification Sherloc (09022015). Collection method: clinical testing. Allele origin: germline.

Dasa
Classification: Uncertain significance. Last evaluated: 2024-07-03. Review status: criteria provided, single submitter. Criteria: DASA Assertion Criteria. Collection method: clinical testing. Allele origin: germline.
Comment: NM_001354723.2(VHL):c.403C>G (p.Leu135Val) is a missense variant that results in the substitution of leucine with valine. This variant is rare in population databases. The currently available literature and clinical evidence are not sufficient to establish a definitive association between this variant and the reported condition. Therefore, this variant is classified as a variant of uncertain significance.